The following is an entry in ClinVar:

NM_177924.5(ASAH1):c.649-8T>C

Gene: ASAH1 (N-acylsphingosine amidohydrolase 1; minus strand). Cytogenetic location: 8p22.
Variant type: single nucleotide variant.
Coding change: c.649-8T>C on transcript NM_177924.5 (MANE Select); 8 bases into the intron before coding-DNA position 649, T replaced by C.
Molecular consequence: intron variant.
Genome position (GRCh38, 1-based): chr8:18,061,748, A>G on the plus strand (T>C on the coding strand, the complement: ASAH1 is on the minus strand). VCF-style: chr8-18061748-A-G. GRCh37 (hg19) VCF-style: chr8-17919257-A-G.
Other names: p.?; c.697-8T>C (NM_004315.6); c.631-8T>C (NM_001127505.3); c.454-8T>C (NM_001363743.2).
Identifiers: ClinVar variation 772142 (VCV000772142.15), dbSNP rs143116317, ClinGen allele CA4650735.

ClinVar aggregate classification (germline): Benign. Review status: criteria provided, multiple submitters, no conflicts (2 of 4 stars). 4 submissions from 4 submitters: Benign (4). Last evaluated 2026-01-31.

Conditions:
Farber lipogranulomatosis (FRBRL). Also called: Farber's disease; Farber disease; Farber's lipogranulomatosis; AC DEFICIENCY; ACID CERAMIDASE DEFICIENCY; CERAMIDASE DEFICIENCY. Identifiers: Orphanet 333, MedGen C0268255, MONDO:0009218, OMIM 228000.

Allele frequency attached by ClinVar (database versions not stated): ExAC 0.00296; gnomAD 0.00457 and 0.00484; 1000 Genomes Project 0.00459; gnomAD exomes 0.00041 and 0.00116; TOPMed 0.00488; 1000 Genomes Project 30x 0.00547; ESP Exome Variant Server 0.00554.
gnomAD v4.1: 1,296 of 1,567,176 alleles (0.083%); highest among the groups gnomAD compares: African/African-American, 1.6%; 6 homozygotes.

Submissions (4):

Labcorp Genetics (formerly Invitae), Labcorp
Classification: Benign. Last evaluated: 2026-01-31. Review status: criteria provided, single submitter. Criteria: Invitae Variant Classification Sherloc (09022015). Collection method: clinical testing. Allele origin: germline.

Mayo Clinic Laboratories, Mayo Clinic
Classification: Benign. Last evaluated: 2025-09-30. Review status: criteria provided, single submitter. Criteria: ACMG Guidelines, 2015. Collection method: clinical testing. Allele origin: germline. Observed: 10 variant alleles.
Comment: BS1, BS2, BP4, BP7

GeneDx
Classification: Benign. Last evaluated: 2019-11-15. Review status: criteria provided, single submitter. Criteria: GeneDx Variant Classification Process June 2021. Collection method: clinical testing. Allele origin: germline. Affected: yes.

Illumina Laboratory Services, Illumina
Classification: Benign for Farber lipogranulomatosis. Last evaluated: 2018-01-13. Review status: criteria provided, single submitter. Criteria: ICSL Variant Classification Criteria 13 December 2019. Collection method: clinical testing. Allele origin: germline.
Comment: This variant was observed in the ICSL laboratory as part of a predisposition screen in an ostensibly healthy population. It had not been previously curated by ICSL or reported in the Human Gene Mutation Database (HGMD: prior to June 1st, 2018), and was therefore a candidate for classification through an automated scoring system. Utilizing variant allele frequency, disease prevalence and penetrance estimates, and inheritance mode, an automated score was calculated to assess if this variant is too frequent to cause the disease. Based on the score and internal cut-off values, a variant classified as benign is not then subjected to further curation. The score for this variant resulted in a classification of benign for this disease.